The following is an entry in ClinVar:

ClinVar aggregate classification (germline): Uncertain significance (1 of 4 stars; one submission).

Allele frequency attached by ClinVar (database versions not stated): ExAC 0.00004.
gnomAD v4.1: 20 of 1,613,290 alleles (0.0012%); highest among the groups gnomAD compares: South Asian, 0.02%; no homozygotes.

Submission:

Ambry Genetics
Classification: Uncertain significance. Last evaluated: 2022-11-25. Review status: criteria provided, single submitter. Criteria: Ambry Variant Classification Scheme 2023. Collection method: clinical testing. Allele origin: germline.
Comment: The p.P1075T variant (also known as c.3223C>A), located in coding exon 16 of the POLQ gene, results from a C to A substitution at nucleotide position 3223. The proline at codon 1075 is replaced by threonine, an amino acid with highly similar properties. This amino acid position is conserved. In addition, this alteration is predicted to be tolerated by in silico analysis. Since supporting evidence is limited at this time, the clinical significance of this alteration remains unclear.

NM_199420.4(POLQ):c.3223C>A (p.Pro1075Thr)

Gene: POLQ (DNA polymerase theta; minus strand). Cytogenetic location: 3q13.33.
Variant type: single nucleotide variant.
Coding change: c.3223C>A on transcript NM_199420.4 (MANE Select); coding-DNA position 3223, C replaced by A.
Protein change: p.Pro1075Thr; replaces proline 1075 with threonine.
Molecular consequence: missense variant.
Genome position (GRCh38, 1-based): chr3:121,489,708, G>T on the plus strand (C>A on the coding strand, the complement: POLQ is on the minus strand). VCF-style: chr3-121489708-G-T. GRCh37 (hg19) VCF-style: chr3-121208555-G-T.
Other names: short protein forms P1075T.
Identifiers: ClinVar variation 2497211 (VCV002497211.2), dbSNP rs758984814, ClinGen allele CA2563098.